The following is an entry in ClinVar:

NM_001458.5(FLNC):c.2815A>G (p.Asn939Asp)

Gene: FLNC (filamin C; plus strand). Cytogenetic location: 7q32.1.
Variant type: single nucleotide variant.
Coding change: c.2815A>G on transcript NM_001458.5 (MANE Select); coding-DNA position 2815, A replaced by G.
Protein change: p.Asn939Asp; replaces asparagine 939 with aspartic acid.
Molecular consequence: missense variant.
Genome position (GRCh38, 1-based): chr7:128,843,799, A>G. VCF-style: chr7-128843799-A-G. GRCh37 (hg19) VCF-style: chr7-128483853-A-G.
Other names: c.2815A>G, p.Asn939Asp (NM_001127487.2); short protein forms N939D.
Identifiers: ClinVar variation 1985489 (VCV001985489.2), dbSNP rs778045731, ClinGen allele CA4474875.

ClinVar aggregate classification (germline): Uncertain significance (1 of 4 stars; one submission).

Conditions:
Myofibrillar myopathy 5. Also called: FILAMINOPATHY, AUTOSOMAL DOMINANT; Filaminopathy (type). Identifiers: Orphanet 171445, MedGen C1836050, MONDO:0012289, OMIM 609524.
Hypertrophic cardiomyopathy 26. Also called: Cardiomyopathy, familial hypertrophic, 26. Identifiers: Orphanet 75249, MedGen C4310749, MONDO:0014883, OMIM 617047.
Dilated Cardiomyopathy, Dominant.
Distal myopathy with posterior leg and anterior hand involvement. Also called: WILLIAMS DISTAL MYOPATHY. Identifiers: Orphanet 63273, MedGen C3279722, MONDO:0013550, OMIM 614065.

Allele frequency attached by ClinVar (database versions not stated): ExAC 0.00001; gnomAD 0.00001; gnomAD exomes 0.00001.
gnomAD v4.1: 4 of 1,613,858 alleles (0.00025%); highest among the groups gnomAD compares: Non-Finnish European, 0.00034%; no homozygotes.

Submission:

Labcorp Genetics (formerly Invitae), Labcorp
Classification: Uncertain significance for Distal myopathy with posterior leg and anterior hand involvement; Myofibrillar myopathy 5; Hypertrophic cardiomyopathy 26. Last evaluated: 2023-03-29. Review status: criteria provided, single submitter. Criteria: Invitae Variant Classification Sherloc (09022015). Collection method: clinical testing. Allele origin: germline.
Comment: In summary, the available evidence is currently insufficient to determine the role of this variant in disease. Therefore, it has been classified as a Variant of Uncertain Significance. Advanced modeling of protein sequence and biophysical properties (such as structural, functional, and spatial information, amino acid conservation, physicochemical variation, residue mobility, and thermodynamic stability) has been performed at Invitae for this missense variant, however the output from this modeling did not meet the statistical confidence thresholds required to predict the impact of this variant on FLNC protein function. ClinVar contains an entry for this variant (Variation ID: 1985489). This variant has not been reported in the literature in individuals affected with FLNC-related conditions. This variant is present in population databases (rs778045731, gnomAD 0.002%). This sequence change replaces asparagine, which is neutral and polar, with aspartic acid, which is acidic and polar, at codon 939 of the FLNC protein (p.Asn939Asp).